The following is an entry in ClinVar:

ClinVar aggregate classification (germline): Likely pathogenic (1 of 4 stars; one submission).

Conditions:
Polycystic kidney disease 4 (PKD4). Also called: PKD3; POLYCYSTIC KIDNEY AND HEPATIC DISEASE 1; POLYCYSTIC KIDNEY DISEASE, INFANTILE, TYPE I; POLYCYSTIC KIDNEY DISEASE 4 WITH OR WITHOUT POLYCYSTIC LIVER DISEASE; Autosomal Recessive Polycystic Kidney Disease – PKHD1. Identifiers: MedGen C4540575, MONDO:0033004, OMIM 263200.

Submission:

Myriad Genetics, Inc.
Classification: Likely pathogenic for Polycystic kidney disease 4. Last evaluated: 2026-07-30. Review status: criteria provided, single submitter. Criteria: Myriad Autosomal Dominant, Autosomal Recessive and X-Linked Classification Criteria (2023). Collection method: clinical testing. Allele origin: unknown.
Comment: NM_138694.3(PKHD1):c.9999-2A>C is a variant in a canonical splice site classified as likely pathogenic in the context of autosomal recessive polycystic kidney disease, PKHD1-related. c.9999-2A>C has not been observed in cases with relevant disease. Relevant functional assessments of this variant are not available in the literature. c.9999-2A>C has not been observed in referenced population frequency databases. In summary, NM_138694.3(PKHD1):c.9999-2A>C is a variant in a canonical splice site in a gene where loss of function is a known mechanism of disease and is predicted to disrupt protein function. Please note: this variant was assessed in the context of healthy population screening.

NM_138694.4(PKHD1):c.9999-2A>C

Gene: PKHD1 (PKHD1 ciliary IPT domain containing fibrocystin/polyductin; minus strand). Cytogenetic location: 6p12.3.
Variant type: single nucleotide variant.
Coding change: c.9999-2A>C on transcript NM_138694.4 (MANE Select); the canonical splice acceptor site of the intron before coding-DNA position 9999, A replaced by C.
Molecular consequence: splice acceptor variant.
Genome position (GRCh38, 1-based): chr6:51,744,544, T>G on the plus strand (A>C on the coding strand, the complement: PKHD1 is on the minus strand). VCF-style: chr6-51744544-T-G. GRCh37 (hg19) VCF-style: chr6-51609342-T-G.
Other names: c.9999-2A>C (NM_170724.3).
Identifiers: ClinVar variation 5004819 (VCV005004819.1).